The following is an entry in ClinVar:

ClinVar aggregate classification (germline): Conflicting classifications of pathogenicity. Review status: criteria provided, conflicting classifications (1 of 4 stars). 7 submissions from 7 submitters: Uncertain significance (6); Likely benign (1). Last evaluated 2025-11-09.

Conditions:
Hereditary cancer-predisposing syndrome. Also called: Hereditary neoplastic syndrome; Hereditary Cancer Syndrome; Neoplastic Syndromes, Hereditary; Tumor predisposition. Identifiers: Orphanet 140162, MedGen C0027672, MeSH D009386, MONDO:0015356.
Hereditary breast ovarian cancer syndrome. Also called: BRCA1- and BRCA2-Associated Hereditary Breast and Ovarian Cancer; Hereditary breast and ovarian cancer syndrome; Hereditary breast and ovarian cancer; Hereditary breast and ovarian cancer syndrome (HBOC); Breast and ovarian cancer; Hereditary breast and/or ovarian cancer syndrome. Identifiers: Orphanet 145, MedGen C0677776, MeSH D061325, MONDO:0003582. Disease mechanism: loss of function.
Familial cancer of breast. Also called: BREAST CANCER, FAMILIAL; hereditary breast carcinoma; Hereditary breast cancer. Identifiers: Orphanet 227535, MedGen C0346153, MONDO:0016419, OMIM 114480. Disease mechanism: loss of function.

Allele frequency attached by ClinVar (database versions not stated): gnomAD exomes below 0.00001.
gnomAD v4.1: 1 of 1,614,116 alleles (0.000062%); highest among the groups gnomAD compares: Non-Finnish European, 0.000085%; no homozygotes.

Submissions (7):

Labcorp Genetics (formerly Invitae), Labcorp
Classification: Uncertain significance for Hereditary breast ovarian cancer syndrome. Last evaluated: 2025-11-09. Review status: criteria provided, single submitter. Criteria: Invitae Variant Classification Sherloc (09022015). Collection method: clinical testing. Allele origin: germline.
Comment: This sequence change replaces glutamine, which is neutral and polar, with glutamic acid, which is acidic and polar, at codon 2731 of the BRCA2 protein (p.Gln2731Glu). This variant is not present in population databases (gnomAD no frequency). This variant has not been reported in the literature in individuals affected with BRCA2-related conditions. ClinVar contains an entry for this variant (Variation ID: 236914). Invitae Evidence Modeling of protein sequence and biophysical properties (such as structural, functional, and spatial information, amino acid conservation, physicochemical variation, residue mobility, and thermodynamic stability) indicates that this missense variant is not expected to disrupt BRCA2 protein function with a negative predictive value of 95%. In summary, the available evidence is currently insufficient to determine the role of this variant in disease. Therefore, it has been classified as a Variant of Uncertain Significance.

Ambry Genetics
Classification: Likely benign for Hereditary cancer-predisposing syndrome. Last evaluated: 2025-05-08. Review status: criteria provided, single submitter. Criteria: Ambry Variant Classification Scheme 2023. Collection method: clinical testing. Allele origin: germline.

Molecular Diagnostics Laboratory, Catalan Institute of Oncology
Classification: Uncertain significance for Hereditary cancer-predisposing syndrome. Last evaluated: 2025-04-22. Review status: criteria provided, single submitter. Criteria: ClinGen BRCA1BRCA2 ACMG Specifications BRCA2 V1.0.0. Collection method: clinical testing. Allele origin: germline.
Comment: PM2_Supporting, BP4 c.8191C>G, located in a (potentially) clinically important functional domain of BRCA2, is predicted to result in the substitution of Glutamine by Glutamic Acid at codon 2731, p.(Gln2731Glu). It is not present in the population database gnomAD v2.1.1, non cancer dataset (PM2_supporting). The SpliceAI algorithm predicts no significant impact on splicing and the BayesDel_noAF predictor score for this variant (-0.043) suggests that it does not affect the protein function (BP4). This alteration was identified in a multifactorial analysis showing a Combined LR for clinical data 0.977, co-occurrence LR 1.025 and family history LR 0.954 (PMID: 31131967). To our knowledge, neither relevant clinical data nor well-stablished functional studies have been reported for this variant. In addition, it has been identified in the ClinVar database (5x as uncertain significance), and BRCA Exchange database (not yet reviewed), but it is not present in the LOVD database. Based on the currently available information, c.8191C>G is classified as an uncertain significance variant according to ClinGen-BRCA2 Guidelines version 1.

GeneDx
Classification: Uncertain significance. Last evaluated: 2025-01-12. Review status: criteria provided, single submitter. Criteria: GeneDx Variant Classification Process June 2021. Collection method: clinical testing. Allele origin: germline. Affected: yes.
Comment: Not observed at significant frequency in large population cohorts (gnomAD); In silico analysis indicates that this missense variant does not alter protein structure/function; Has not been previously published as pathogenic or benign to our knowledge; Also known as 8419C>G; This variant is associated with the following publications: (PMID: 12228710, 31131967)

Baylor Genetics
Classification: Uncertain significance for Familial cancer of breast. Last evaluated: 2024-01-19. Review status: criteria provided, single submitter. Criteria: ACMG Guidelines, 2015. Collection method: clinical testing. Allele origin: unknown.

Institute for Biomarker Research, Medical Diagnostic Laboratories, L.L.C.
Classification: Uncertain significance for Hereditary breast ovarian cancer syndrome. Last evaluated: 2023-10-31. Review status: criteria provided, single submitter. Criteria: ACMG Guidelines, 2015. Collection method: clinical testing. Allele origin: germline.

Mendelics
Classification: Uncertain significance for Hereditary breast and ovarian cancer syndrome. Last evaluated: 2018-07-02. Review status: criteria provided, single submitter. Criteria: Mendelics Assertion Criteria 2017. Collection method: clinical testing. Allele origin: unknown.

NM_000059.4(BRCA2):c.8191C>G (p.Gln2731Glu)

Gene: BRCA2 (BRCA2 DNA repair associated; plus strand). Cytogenetic location: 13q13.1.
Variant type: single nucleotide variant.
Coding change: c.8191C>G on transcript NM_000059.4 (MANE Select); coding-DNA position 8191, C replaced by G.
Protein change: p.Gln2731Glu; replaces glutamine 2731 with glutamic acid.
Molecular consequence: missense variant.
Genome position (GRCh38, 1-based): chr13:32,363,393, C>G. VCF-style: chr13-32363393-C-G. GRCh37 (hg19) VCF-style: chr13-32937530-C-G.
Other names: short protein forms Q2731E.
Identifiers: ClinVar variation 236914 (VCV000236914.20), dbSNP rs397507966, ClinGen allele CA10583138.